The following is an entry in ClinVar:

ClinVar aggregate classification (germline): Uncertain significance (1 of 4 stars; one submission).

Submission:

CeGaT Center for Human Genetics Tuebingen
Classification: Uncertain significance. Last evaluated: 2026-09-01. Review status: criteria provided, single submitter. Criteria: CeGaT Center For Human Genetics Tuebingen Variant Classification Criteria Version 2. Collection method: clinical testing. Allele origin: germline. Affected: yes. Observed: 1 variant allele.
Comment: SCN3A: PM2, PP2, PP3

NM_006922.4(SCN3A):c.2695G>A (p.Val899Ile)

Gene: SCN3A (sodium voltage-gated channel alpha subunit 3; minus strand). Cytogenetic location: 2q24.3.
Variant type: single nucleotide variant.
Coding change: c.2695G>A on transcript NM_006922.4 (MANE Select); coding-DNA position 2695, G replaced by A.
Protein change: p.Val899Ile; replaces valine 899 with isoleucine.
Molecular consequence: missense variant.
Genome position (GRCh38, 1-based): chr2:165,130,167, C>T on the plus strand (G>A on the coding strand, the complement: SCN3A is on the minus strand). VCF-style: chr2-165130167-C-T. GRCh37 (hg19) VCF-style: chr2-165986677-C-T.
Other names: c.2548G>A, p.Val850Ile (NM_001081676.2, NM_001081677.2); short protein forms V850I, V899I.
Identifiers: ClinVar variation 5041716 (VCV005041716.1).
Genomic context (GRCh38, chr2:165,130,167, plus strand): 5'-AGTCATCATTGATCTTGCAGACACATTCTTTGTAGCTCTTACCAAAGAGCTGCATGCCGA[C>T]CACAGCAAAAATGAAGACGATGATGGCCAACACCAAGGTGAGGTTTCCTAGAGCCCCCAC-3'
Protein context (NP_008853.3, residues 889-909): LAIIVFIFAV[Val899Ile]GMQLFGKSYK